The following is an entry in ClinVar:

NM_138395.4(MARS2):c.376C>T (p.Gln126Ter)

Gene: MARS2 (methionyl-tRNA synthetase 2, mitochondrial; plus strand). Cytogenetic location: 2q33.1.
Variant type: single nucleotide variant.
Coding change: c.376C>T on transcript NM_138395.4 (MANE Select); coding-DNA position 376, C replaced by T.
Protein change: p.Gln126Ter; replaces glutamine 126 with a stop codon.
Molecular consequence: nonsense.
Genome position (GRCh38, 1-based): chr2:197,705,781, C>T. VCF-style: chr2-197705781-C-T. GRCh37 (hg19) VCF-style: chr2-198570505-C-T.
Other names: short protein forms Q126*.
Identifiers: ClinVar variation 2852624 (VCV002852624.3), dbSNP rs2089469511, ClinGen allele CA350212053.

ClinVar aggregate classification (germline): Uncertain significance (1 of 4 stars; one submission).

Allele frequency attached by ClinVar (database versions not stated): gnomAD exomes below 0.00001.

Submission:

Labcorp Genetics (formerly Invitae), Labcorp
Classification: Uncertain significance. Last evaluated: 2023-06-09. Review status: criteria provided, single submitter. Criteria: Invitae Variant Classification Sherloc (09022015). Collection method: clinical testing. Allele origin: germline.
Comment: In summary, the available evidence is currently insufficient to determine the role of this variant in disease. Therefore, it has been classified as a Variant of Uncertain Significance. This variant has not been reported in the literature in individuals affected with MARS2-related conditions. This variant is not present in population databases (gnomAD no frequency). This sequence change creates a premature translational stop signal (p.Gln126*) in the MARS2 gene. While this is not anticipated to result in nonsense mediated decay, it is expected to disrupt the last 468 amino acid(s) of the MARS2 protein.